The following is an entry in ClinVar:

NM_001099271.2(POC5):c.1417A>G (p.Arg473Gly)

Gene: POC5 (POC5 centriolar protein; minus strand). Cytogenetic location: 5q13.3.
Variant type: single nucleotide variant.
Coding change: c.1417A>G on transcript NM_001099271.2 (MANE Select); coding-DNA position 1417, A replaced by G.
Protein change: p.Arg473Gly; replaces arginine 473 with glycine.
Molecular consequence: missense variant.
Genome position (GRCh38, 1-based): chr5:75,677,941, T>C on the plus strand (A>G on the coding strand, the complement: POC5 is on the minus strand). VCF-style: chr5-75677941-T-C. GRCh37 (hg19) VCF-style: chr5-74973766-T-C.
Other names: c.1342A>G, p.Arg448Gly (NM_152408.3); short protein forms R473G, R448G.
Identifiers: ClinVar variation 3699765 (VCV003699765.2).
Genomic context (GRCh38, chr5:75,677,941, plus strand): 5'-TTCCTGTGATCCGGGCTGTAATAGTTCTTCCTGCTTTCTGTTGTGCAGAGGTTACAACTC[T>C]TGGCACATACTAAGAAGAAAAAAAAATAAAAGAAGTAACAAGGTGGCAGAAAATCCACAG-3'
Protein context (NP_001092741.1, residues 463-483): TAASEEMYVP[Arg473Gly]VVTSAQQKAG

ClinVar aggregate classification (germline): Uncertain significance (1 of 4 stars; one submission).

gnomAD v4.1: 9 of 1,566,286 alleles (0.00057%); highest among the groups gnomAD compares: East Asian, 0.016%; no homozygotes.

Submission:

Labcorp Genetics (formerly Invitae), Labcorp
Classification: Uncertain significance. Last evaluated: 2024-08-13. Review status: criteria provided, single submitter. Criteria: Invitae Variant Classification Sherloc (09022015). Collection method: clinical testing. Allele origin: germline.
Comment: This sequence change replaces arginine, which is basic and polar, with glycine, which is neutral and non-polar, at codon 473 of the POC5 protein (p.Arg473Gly). This variant is present in population databases (rs752738284, gnomAD 0.02%). This variant has not been reported in the literature in individuals affected with POC5-related conditions. An algorithm developed to predict the effect of missense changes on protein structure and function (PolyPhen-2) suggests that this variant is likely to be disruptive. In summary, the available evidence is currently insufficient to determine the role of this variant in disease. Therefore, it has been classified as a Variant of Uncertain Significance.